The following is an entry in ClinVar:

NM_001103.4(ACTN2):c.2554C>T (p.Arg852Trp)

Gene: ACTN2 (actinin alpha 2; plus strand). Cytogenetic location: 1q43.
Variant type: single nucleotide variant.
Coding change: c.2554C>T on transcript NM_001103.4 (MANE Select); coding-DNA position 2554, C replaced by T.
Protein change: p.Arg852Trp; replaces arginine 852 with tryptophan.
Molecular consequence: missense variant.
Genome position (GRCh38, 1-based): chr1:236,762,488, C>T. VCF-style: chr1-236762488-C-T. GRCh37 (hg19) VCF-style: chr1-236925788-C-T.
Other names: c.2554C>T, p.Arg852Trp (NM_001278343.2); c.1930C>T, p.Arg644Trp (NM_001278344.2); short protein forms R852W, R644W.
Identifiers: ClinVar variation 646561 (VCV000646561.13), dbSNP rs745317077, ClinGen allele CA1473490.

ClinVar aggregate classification (germline): Uncertain significance. Review status: criteria provided, multiple submitters, no conflicts (2 of 4 stars). 3 submissions from 3 submitters: Uncertain significance (3). Last evaluated 2025-07-08.

Conditions:
Cardiovascular phenotype. Identifiers: MedGen CN230736.
Dilated cardiomyopathy 1AA (CMD1AA). Also called: CARDIOMYOPATHY, DILATED, 1AA, WITH OR WITHOUT LEFT VENTRICULAR NONCOMPACTION; CARDIOMYOPATHY, FAMILIAL HYPERTROPHIC, 23, WITH OR WITHOUT LEFT VENTRICULAR NONCOMPACTION; Cardiomyopathy, dilated, 1AA, with or without LVNC. Identifiers: Orphanet 154, MedGen C2677338, MONDO:0012808, OMIM 612158.
Primary familial hypertrophic cardiomyopathy (HCM). Identifiers: Orphanet 99739, MedGen C0949658, MeSH D024741, MONDO:0024573. Inheritance: Various modes of inheritance.

Allele frequency attached by ClinVar (database versions not stated): gnomAD exomes below 0.00001 and 0.00003; ExAC 0.00001; gnomAD 0.00001; TOPMed 0.00001.
gnomAD v4.1: 40 of 1,614,046 alleles (0.0025%); highest among the groups gnomAD compares: East Asian, 0.027%; no homozygotes.

Submissions (3):

Labcorp Genetics (formerly Invitae), Labcorp
Classification: Uncertain significance for Primary familial hypertrophic cardiomyopathy; Dilated cardiomyopathy 1AA. Last evaluated: 2025-07-08. Review status: criteria provided, single submitter. Criteria: Invitae Variant Classification Sherloc (09022015). Collection method: clinical testing. Allele origin: germline.
Comment: This sequence change replaces arginine, which is basic and polar, with tryptophan, which is neutral and slightly polar, at codon 852 of the ACTN2 protein (p.Arg852Trp). This variant is present in population databases (rs745317077, gnomAD 0.0009%). This variant has not been reported in the literature in individuals affected with ACTN2-related conditions. ClinVar contains an entry for this variant (Variation ID: 646561). An algorithm developed to predict the effect of missense changes on protein structure and function (PolyPhen-2) suggests that this variant is likely to be disruptive. In summary, the available evidence is currently insufficient to determine the role of this variant in disease. Therefore, it has been classified as a Variant of Uncertain Significance.

Ambry Genetics
Classification: Uncertain significance for Cardiovascular phenotype. Last evaluated: 2024-05-06. Review status: criteria provided, single submitter. Criteria: Ambry Variant Classification Scheme 2023. Collection method: clinical testing. Allele origin: germline.
Comment: The p.R852W variant (also known as c.2554C>T), located in coding exon 21 of the ACTN2 gene, results from a C to T substitution at nucleotide position 2554. The arginine at codon 852 is replaced by tryptophan, an amino acid with dissimilar properties. This alteration has been reported in a syncope cohort and a sudden unexplained death cohort (Lee SH et al. J Cardiovasc Dev Dis, 2022 Aug;9:; Miura A et al. Int Heart J, 2024;65:55-62). This amino acid position is highly conserved in available vertebrate species. In addition, the in silico prediction for this alteration is inconclusive. Based on the available evidence, the clinical significance of this variant remains unclear.

ARUP Laboratories, Molecular Genetics and Genomics, ARUP Laboratories
Classification: Uncertain significance. Review status: criteria provided, single submitter. Criteria: ARUP Molecular Germline Variant Investigation Process 2024. Collection method: clinical testing. Allele origin: germline.

Literature cited by the submitters: PubMed 36005429 (cited by Ambry Genetics); PubMed 38296580 (cited by Ambry Genetics).